The following is an entry in ClinVar:

NM_014444.5(TUBGCP4):c.145G>C (p.Gly49Arg)

Gene: TUBGCP4 (tubulin gamma complex component 4; plus strand). Cytogenetic location: 15q15.3.
Variant type: single nucleotide variant.
Coding change: c.145G>C on transcript NM_014444.5 (MANE Select); coding-DNA position 145, G replaced by C.
Protein change: p.Gly49Arg; replaces glycine 49 with arginine.
Molecular consequence: missense variant.
Genome position (GRCh38, 1-based): chr15:43,376,164, G>C. VCF-style: chr15-43376164-G-C. GRCh37 (hg19) VCF-style: chr15-43668362-G-C.
Other names: c.145G>C, p.Gly49Arg (NM_001286414.3); short protein forms G49R.
Identifiers: ClinVar variation 1947021 (VCV001947021.5), dbSNP rs1364441237, ClinGen allele CA392114768.

ClinVar aggregate classification (germline): Uncertain significance (1 of 4 stars; one submission).

Submission:

Labcorp Genetics (formerly Invitae), Labcorp
Classification: Uncertain significance. Last evaluated: 2021-12-05. Review status: criteria provided, single submitter. Criteria: Invitae Variant Classification Sherloc (09022015). Collection method: clinical testing. Allele origin: germline.
Comment: Algorithms developed to predict the effect of missense changes on protein structure and function are either unavailable or do not agree on the potential impact of this missense change (SIFT: "Tolerated"; PolyPhen-2: "Probably Damaging"; Align-GVGD: "Class C0"). This variant has not been reported in the literature in individuals affected with TUBGCP4-related conditions. This variant is not present in population databases (gnomAD no frequency). This sequence change replaces glycine, which is neutral and non-polar, with arginine, which is basic and polar, at codon 49 of the TUBGCP4 protein (p.Gly49Arg). In summary, the available evidence is currently insufficient to determine the role of this variant in disease. Therefore, it has been classified as a Variant of Uncertain Significance.